The following is an entry in ClinVar:

NM_004104.5(FASN):c.1151G>A (p.Arg384His)

Gene: FASN (fatty acid synthase; minus strand). Cytogenetic location: 17q25.3.
Variant type: single nucleotide variant.
Coding change: c.1151G>A on transcript NM_004104.5 (MANE Select); coding-DNA position 1151, G replaced by A.
Protein change: p.Arg384His; replaces arginine 384 with histidine.
Molecular consequence: missense variant.
Genome position (GRCh38, 1-based): chr17:82,091,563, C>T on the plus strand (G>A on the coding strand, the complement: FASN is on the minus strand). VCF-style: chr17-82091563-C-T. GRCh37 (hg19) VCF-style: chr17-80049439-C-T.
Other names: short protein forms R384H.
Identifiers: ClinVar variation 945747 (VCV000945747.9), dbSNP rs201412385, ClinGen allele CA8853237.
Genomic context (GRCh38, chr17:82,091,563, plus strand): 5'-AGGATGATGTGCACGTTGGAGCCCCCGAAGCCAAAGGAGTTGATGCCCACGTTGCCGCCA[C>T]GGACGGGCAGGGGCTGGTCCACCACCTGCAGCCGCCCATCCAACAGCGCTGGGATCTCAG-3'
Protein context (NP_004095.4, residues 374-394): LQVVDQPLPV[Arg384His]GGNVGINSFG

ClinVar aggregate classification (germline): Uncertain significance. Review status: criteria provided, multiple submitters, no conflicts (2 of 4 stars). 2 submissions from 2 submitters: Uncertain significance (2). Last evaluated 2025-10-15.

Conditions:
Epileptic encephalopathy. Identifiers: MedGen C0543888, HP:0200134.

Allele frequency attached by ClinVar (database versions not stated): gnomAD exomes 0.00005 and 0.00007; gnomAD 0.00008; TOPMed 0.00008; ExAC 0.00019; 1000 Genomes Project 0.00020; 1000 Genomes Project 30x 0.00047.
gnomAD v4.1: 96 of 1,591,632 alleles (0.006%); highest among the groups gnomAD compares: Middle Eastern, 0.017%; no homozygotes.

Submissions (2):

Ambry Genetics
Classification: Uncertain significance. Last evaluated: 2025-10-15. Review status: criteria provided, single submitter. Criteria: Ambry Variant Classification Scheme 2023. Collection method: clinical testing. Allele origin: germline.

Labcorp Genetics (formerly Invitae), Labcorp
Classification: Uncertain significance for Epileptic encephalopathy. Last evaluated: 2025-04-29. Review status: criteria provided, single submitter. Criteria: Invitae Variant Classification Sherloc (09022015). Collection method: clinical testing. Allele origin: germline.
Comment: This sequence change replaces arginine, which is basic and polar, with histidine, which is basic and polar, at codon 384 of the FASN protein (p.Arg384His). This variant is present in population databases (rs201412385, gnomAD 0.01%). This variant has not been reported in the literature in individuals affected with FASN-related conditions. ClinVar contains an entry for this variant (Variation ID: 945747). An algorithm developed to predict the effect of missense changes on protein structure and function outputs the following: PolyPhen-2: "Benign". The histidine amino acid residue is found in multiple mammalian species, which suggests that this missense change does not adversely affect protein function. In summary, the available evidence is currently insufficient to determine the role of this variant in disease. Therefore, it has been classified as a Variant of Uncertain Significance.